The following is an entry in ClinVar:

ClinVar aggregate classification (germline): Likely pathogenic (1 of 4 stars; one submission).

Conditions:
Infantile epileptic dyskinetic encephalopathy. Identifiers: Orphanet 364063, MedGen C4552072, MONDO:0018226.

Submission:

Women's Health and Genetics/Laboratory Corporation of America, LabCorp
Classification: Likely pathogenic for Infantile epileptic dyskinetic encephalopathy. Last evaluated: 2022-09-14. Review status: criteria provided, single submitter. Criteria: LabCorp Variant Classification Summary - May 2015. Collection method: clinical testing. Allele origin: germline.
Comment: Variant summary: CAD c.2378_2379delCA (p.Thr793SerfsX15) results in a premature termination codon, predicted to cause a truncation of the encoded protein or absence of the protein due to nonsense mediated decay, which are commonly known mechanisms for disease. Truncating variants downstream of this position have been reported in association with CAD deficiency and Epileptic encephalopathy in HGMD. The variant was absent in 251274 control chromosomes (gnomAD). To our knowledge, no occurrence of c.2378_2379delCA in individuals affected with Early Infantile Epileptic Encephalopathy, 50 and no experimental evidence demonstrating its impact on protein function have been reported. No clinical diagnostic laboratories have submitted clinical-significance assessments for this variant to ClinVar after 2014. Based on the evidence outlined above, the variant was classified as likely pathogenic.

NM_004341.5(CAD):c.2378_2379del (p.Thr793fs)

Genes: CAD (carbamoyl-phosphate synthetase 2, aspartate transcarbamylase, and dihydroorotase; plus strand), LOC126806171 (BRD4-independent group 4 enhancer GRCh37_chr2:27454350-27455549; plus strand). Cytogenetic location: 2p23.3.
Variant type: Microsatellite.
Coding change: c.2378_2379del on transcript NM_004341.5 (MANE Select); coding-DNA positions 2378 to 2379, 2 bases deleted (CA; older notation c.2378_2379delCA).
Protein change: p.Thr793fs; shifts the reading frame from threonine 793.
Molecular consequence: frameshift variant.
Genome position (GRCh38, 1-based): chr2:27,231,558-27,231,559, CA deleted; deleting any 2 consecutive bases within chr2:27,231,554-27,231,559 gives the same sequence; the c. name uses the placement nearest the transcript's 3' end. VCF-style (leftmost placement, unchanged base first): chr2-27231553-TCA-T. GRCh37 (hg19) VCF-style: chr2-27454421-TCA-T.
Other names: c.2189_2190del, p.Thr730fs (NM_001306079.2); short protein forms T730fs, T793fs.
Identifiers: ClinVar variation 1722399 (VCV001722399.1), dbSNP rs2465322898, ClinGen allele CA2580611605.